The following is an entry in ClinVar:

ClinVar aggregate classification (germline): Likely pathogenic (1 of 4 stars; one submission).

Conditions:
Usher syndrome type 1D (USH1D). Also called: USHER SYNDROME, TYPE ID. Identifiers: Orphanet 231169, Orphanet 886, MedGen C1832845, MONDO:0010984, OMIM 601067.

Submission:

Myriad Genetics, Inc.
Classification: Likely pathogenic for Usher syndrome type 1D. Last evaluated: 2021-12-16. Review status: criteria provided, single submitter. Criteria: Myriad Women's Health Autosomal Recessive and X-Linked Classification Criteria (2021). Collection method: clinical testing. Allele origin: unknown.
Comment: NM_033056.3(PCDH15):c.2952_2953delTTinsC(S985Lfs*4) is expected to be pathogenic in the context of PCDH15-related disorders. This variant is predicted to lead to an abnormal or absent protein product due to the creation of a premature termination codon in PCDH15, a gene where loss-of-function variants are known to be pathogenic. Please note: this variant was assessed in the context of healthy population screening.

NM_001384140.1(PCDH15):c.2952_2953delinsC (p.Ser985fs)

Gene: PCDH15 (protocadherin related 15; minus strand). Cytogenetic location: 10q21.1.
Variant type: Indel.
Coding change: c.2952_2953delinsC on transcript NM_001384140.1 (MANE Select); coding-DNA positions 2952 to 2953, TT replaced by C.
Protein change: p.Ser985fs; shifts the reading frame from serine 985.
Molecular consequence: frameshift variant.
Genome position (GRCh38, 1-based): chr10:53,961,808-53,961,809, AA replaced by G on the plus strand (TT replaced by C on the coding strand, the reverse complement: PCDH15 is on the minus strand). VCF-style: chr10-53961808-AA-G. GRCh37 (hg19) VCF-style: chr10-55721568-AA-G.
Other names: c.2967_2968delinsC, p.Ser990fs (NM_001142763.2, NM_001142771.2); c.2952_2953delinsC, p.Ser985fs (NM_001142764.2, NM_001142766.2, NM_001142770.3 and 4 more transcripts); c.2739_2740delinsC, p.Ser914fs (NM_001142765.2); c.2841_2842delinsC, p.Ser948fs (NM_001142767.2); c.2886_2887delinsC, p.Ser963fs (NM_001142768.2, NM_001142773.2, NM_001354404.2); c.2988_2989delTTinsC, p.Ser997Leufs (NM_001142769.4); c.2973_2974delinsC, p.Ser992fs (NM_001354411.2); short protein forms S914fs, S948fs, S963fs, S985fs, S990fs, S992fs, S997fs.
Identifiers: ClinVar variation 1726321 (VCV001726321.2), dbSNP rs2495137682, ClinGen allele CA2580081623.